The following is an entry in ClinVar:

NM_005732.4(RAD50):c.502G>A (p.Glu168Lys)

Gene: RAD50 (RAD50 double strand break repair protein; plus strand). Cytogenetic location: 5q31.1.
Variant type: single nucleotide variant.
Coding change: c.502G>A on transcript NM_005732.4 (MANE Select); coding-DNA position 502, G replaced by A.
Protein change: p.Glu168Lys; replaces glutamic acid 168 with lysine.
Molecular consequence: missense variant.
Genome position (GRCh38, 1-based): chr5:132,579,453, G>A. VCF-style: chr5-132579453-G-A. GRCh37 (hg19) VCF-style: chr5-131915145-G-A.
Other names: short protein forms E168K.
Identifiers: ClinVar variation 2148231 (VCV002148231.4), dbSNP rs2479616142, ClinGen allele CA360934697.

ClinVar aggregate classification (germline): Uncertain significance (1 of 4 stars; one submission).

Conditions:
Hereditary cancer-predisposing syndrome. Also called: Tumor predisposition; Hereditary neoplastic syndrome; Hereditary Cancer Syndrome; Neoplastic Syndromes, Hereditary. Identifiers: Orphanet 140162, MedGen C0027672, MeSH D009386, MONDO:0015356.

Submission:

Labcorp Genetics (formerly Invitae), Labcorp
Classification: Uncertain significance for Hereditary cancer-predisposing syndrome. Last evaluated: 2021-12-07. Review status: criteria provided, single submitter. Criteria: Invitae Variant Classification Sherloc (09022015). Collection method: clinical testing. Allele origin: germline.
Comment: This sequence change replaces glutamic acid, which is acidic and polar, with lysine, which is basic and polar, at codon 168 of the RAD50 protein (p.Glu168Lys). This variant is not present in population databases (gnomAD no frequency). This variant has not been reported in the literature in individuals affected with RAD50-related conditions. Algorithms developed to predict the effect of missense changes on protein structure and function (SIFT, PolyPhen-2, Align-GVGD) all suggest that this variant is likely to be disruptive. In summary, the available evidence is currently insufficient to determine the role of this variant in disease. Therefore, it has been classified as a Variant of Uncertain Significance.